The following is an entry in ClinVar:

NM_004415.4(DSP):c.4466T>G (p.Leu1489Arg)

Gene: DSP (desmoplakin; plus strand). Cytogenetic location: 6p24.3.
Variant type: single nucleotide variant.
Coding change: c.4466T>G on transcript NM_004415.4 (MANE Select); coding-DNA position 4466, T replaced by G.
Protein change: p.Leu1489Arg; replaces leucine 1489 with arginine.
Molecular consequence: missense variant. On other transcripts: intron variant (2).
Genome position (GRCh38, 1-based): chr6:7,580,656, T>G. VCF-style: chr6-7580656-T-G. GRCh37 (hg19) VCF-style: chr6-7580889-T-G.
Other names: c.4466T>G (LRG_423t1); c.4050+416T>G (NM_001319034.2); c.3582+884T>G (NM_001008844.3); short protein forms L1489R.
Identifiers: ClinVar variation 465896 (VCV000465896.26), dbSNP rs746782582, ClinGen allele CA041614.

ClinVar aggregate classification (germline): Conflicting classifications of pathogenicity. Review status: criteria provided, conflicting classifications (1 of 4 stars). 7 submissions from 7 submitters: Uncertain significance (5); Benign (1); Likely benign (1). Last evaluated 2025-09-08.

Conditions:
Arrhythmogenic cardiomyopathy with wooly hair and keratoderma. Also called: Dilated cardiomyopathy with woolly hair and keratoderma; Arrhythmogenic cardiomyopathy with woolly hair and keratoderma; PALMOPLANTAR KERATODERMA WITH LEFT VENTRICULAR CARDIOMYOPATHY AND WOOLLY HAIR; Carvajal syndrome. Identifiers: Orphanet 65282, MedGen C1854063, MONDO:0011581, OMIM 605676.
Arrhythmogenic right ventricular dysplasia 8 (ARVD8). Also called: Arrhythmogenic Right Ventricular Dysplasia/Cardiomyopathy 8; ARRHYTHMOGENIC RIGHT VENTRICULAR DYSPLASIA, FAMILIAL, 8; ARRHYTHMOGENIC RIGHT VENTRICULAR CARDIOMYOPATHY 8. Identifiers: MedGen C1843896, MONDO:0011831, OMIM 607450.
Cardiovascular phenotype. Identifiers: MedGen CN230736.
Cardiomyopathy (CMYO). Also called: Cardiomyopathies. Identifiers: Orphanet 167848, MedGen C0878544, MONDO:0004994, HP:0001638. Inheritance: Various modes of inheritance.

Allele frequency attached by ClinVar (database versions not stated): gnomAD exomes below 0.00001 and 0.00002; ExAC 0.00001; gnomAD 0.00002; TOPMed 0.00006.
gnomAD v4.1: 9 of 1,613,832 alleles (0.00056%); highest among the groups gnomAD compares: African/African-American, 0.008%; no homozygotes.

Submissions (7):

Labcorp Genetics (formerly Invitae), Labcorp
Classification: Benign for Arrhythmogenic cardiomyopathy with wooly hair and keratoderma; Arrhythmogenic right ventricular dysplasia 8. Last evaluated: 2025-09-08. Review status: criteria provided, single submitter. Criteria: Invitae Variant Classification Sherloc (09022015). Collection method: clinical testing. Allele origin: germline.

Ambry Genetics
Classification: Uncertain significance for Cardiovascular phenotype. Last evaluated: 2025-07-28. Review status: criteria provided, single submitter. Criteria: Ambry Variant Classification Scheme 2023. Collection method: clinical testing. Allele origin: germline.
Comment: The p.L1489R variant (also known as c.4466T>G), located in coding exon 23 of the DSP gene, results from a T to G substitution at nucleotide position 4466. The leucine at codon 1489 is replaced by arginine, an amino acid with dissimilar properties. This amino acid position is well conserved in available vertebrate species. In addition, this alteration is predicted to be deleterious by in silico analysis. Since supporting evidence is limited at this time, the clinical significance of this alteration remains unclear.

Color Diagnostics, LLC DBA Color Health
Classification: Likely benign for Cardiomyopathy. Last evaluated: 2025-06-12. Review status: criteria provided, single submitter. Criteria: ACMG Guidelines, 2015. Collection method: clinical testing. Allele origin: germline.

Women's Health and Genetics/Laboratory Corporation of America, LabCorp
Classification: Uncertain significance. Last evaluated: 2025-04-29. Review status: criteria provided, single submitter. Criteria: LabCorp Variant Classification Summary - May 2015. Collection method: clinical testing. Allele origin: germline.
Comment: Variant summary: DSP c.4466T>G (p.Leu1489Arg) results in a non-conservative amino acid change in the encoded protein sequence. Three of five in-silico tools predict a benign effect of the variant on protein function. The variant allele was found at a frequency of 1.6e-05 in 249898 control chromosomes. The available data on variant occurrences in the general population are insufficient to allow any conclusion about variant significance. To our knowledge, no occurrence of c.4466T>G in individuals affected with Arrhythmogenic Right Ventricular Dysplasia/Cardiomyopathy and no experimental evidence demonstrating its impact on protein function have been reported. ClinVar contains an entry for this variant (Variation ID: 465896). Based on the evidence outlined above, the variant was classified as uncertain significance.

All of Us Research Program, National Institutes of Health
Classification: Uncertain significance for Arrhythmogenic cardiomyopathy with wooly hair and keratoderma. Last evaluated: 2023-11-20. Review status: criteria provided, single submitter. Criteria: ACMG Guidelines, 2015. Collection method: clinical testing. Allele origin: germline. Inheritance: Autosomal dominant inheritance. Observed: 6 variant alleles, 6 heterozygotes.
Comment: This missense variant replaces leucine with arginine at codon 1489 of the DSP protein. Computational prediction suggests that this variant may not impact protein structure and function (internally defined REVEL score threshold <= 0.5, PMID: 27666373). To our knowledge, functional studies have not been reported for this variant. This variant has not been reported in individuals affected with cardiovascular disorders in the literature. This variant has been identified in 5/281280 chromosomes in the general population by the Genome Aggregation Database (gnomAD). The available evidence is insufficient to determine the role of this variant in disease conclusively. Therefore, this variant is classified as a Variant of Uncertain Significance.

This study involves interpretation of variants in research participants for the purpose of population health screening. Participant phenotype was not available at the time of variant classification. Additional details can be found in publication PMID: 35346344, PMCID: PMC8962531

GeneDx
Classification: Uncertain significance. Last evaluated: 2023-05-04. Review status: criteria provided, single submitter. Criteria: GeneDx Variant Classification Process June 2021. Collection method: clinical testing. Allele origin: germline. Affected: yes.
Comment: Has not been previously published as pathogenic or benign to our knowledge; Not observed at significant frequency in large population cohorts (gnomAD); In silico analysis supports that this missense variant does not alter protein structure/function

CHEO Genetics Diagnostic Laboratory, Children's Hospital of Eastern Ontario
Classification: Uncertain significance for Cardiomyopathy. Last evaluated: 2017-10-30. Review status: criteria provided, single submitter. Criteria: ACMG Guidelines, 2015. Collection method: clinical testing. Allele origin: germline. Study: Canadian Open Genetics Repository.